The following is an entry in ClinVar:

ClinVar aggregate classification (germline): Uncertain significance (1 of 4 stars; one submission).

Conditions:
Drash syndrome (DDS). Also called: NEPHROPATHY, WILMS TUMOR, AND GENITAL ANOMALIES; WILMS TUMOR AND PSEUDO- OR TRUE HERMAPHRODITISM. Identifiers: Orphanet 220, MedGen C0950121, MONDO:0008682, OMIM 194080.
Frasier syndrome. Identifiers: Orphanet 347, MedGen C0950122, MeSH D052159, MONDO:0007635, OMIM 136680.
Wilms tumor 1 (WT1). Also called: Wilms tumor, somatic. Identifiers: Orphanet 654, MedGen CN033288, MONDO:0008679, OMIM 194070.
11p partial monosomy syndrome (WAGR). Also called: WAGR Complex; WAGR syndrome; WAGR Spectrum Disorder; CHROMOSOME 11p13 DELETION SYNDROME. Identifiers: Orphanet 893, MedGen C0206115, MONDO:0008681, OMIM 194072.

Allele frequency attached by ClinVar (database versions not stated): gnomAD exomes below 0.00001; ExAC 0.00001.
gnomAD v4.1: 1 of 1,613,882 alleles (0.000062%); highest among the groups gnomAD compares: South Asian, 0.0011%; no homozygotes.

Submission:

Labcorp Genetics (formerly Invitae), Labcorp
Classification: Uncertain significance for Wilms tumor 1; Drash syndrome; 11p partial monosomy syndrome; Frasier syndrome. Last evaluated: 2025-07-17. Review status: criteria provided, single submitter. Criteria: Invitae Variant Classification Sherloc (09022015). Collection method: clinical testing. Allele origin: germline.
Comment: This sequence change replaces histidine, which is basic and polar, with leucine, which is neutral and non-polar, at codon 242 of the WT1 protein (p.His242Leu). This variant is present in population databases (rs749860238, gnomAD 0.003%). This variant has not been reported in the literature in individuals affected with WT1-related conditions. ClinVar contains an entry for this variant (Variation ID: 1045196). Invitae Evidence Modeling of protein sequence and biophysical properties (such as structural, functional, and spatial information, amino acid conservation, physicochemical variation, residue mobility, and thermodynamic stability) indicates that this missense variant is not expected to disrupt WT1 protein function with a negative predictive value of 95%. In summary, the available evidence is currently insufficient to determine the role of this variant in disease. Therefore, it has been classified as a Variant of Uncertain Significance.

NM_024426.6(WT1):c.740A>T (p.His247Leu)

Gene: WT1 (WT1 transcription factor; minus strand). Cytogenetic location: 11p13.
Variant type: single nucleotide variant.
Coding change: c.740A>T on transcript NM_024426.6 (MANE Select); coding-DNA position 740, A replaced by T.
Protein change: p.His247Leu; replaces histidine 247 with leucine.
Molecular consequence: missense variant. On other transcripts: non-coding transcript variant (1).
Genome position (GRCh38, 1-based): chr11:32,428,541, T>A on the plus strand (A>T on the coding strand, the complement: WT1 is on the minus strand). VCF-style: chr11-32428541-T-A. GRCh37 (hg19) VCF-style: chr11-32450087-T-A.
Other names: c.740A>T, p.His247Leu (NM_000378.6, NM_001407044.1, NM_001407045.1 and 4 more transcripts); c.89A>T, p.His30Leu (NM_001198551.2, NM_001198552.2); c.-23A>T (NM_001407051.1); c.725A>T, p.His242Leu (NM_024425.2); short protein forms H30L, H247L, H242L.
Identifiers: ClinVar variation 1045196 (VCV001045196.10), dbSNP rs749860238, ClinGen allele CA065534.